The following is an entry in ClinVar:

NM_005476.7(GNE):c.-65G>A

Genes: GNE (glucosamine (UDP-N-acetyl)-2-epimerase/N-acetylmannosamine kinase; minus strand), LOC130001749 (ATAC-STARR-seq lymphoblastoid silent region 19891; plus strand). Cytogenetic location: 9p13.3.
Variant type: single nucleotide variant.
Coding change: c.-65G>A on transcript NM_005476.7 (MANE Select); 65 bases upstream of the start codon, G replaced by A.
Molecular consequence: 5 prime UTR variant. On other transcripts: intron variant (2).
Genome position (GRCh38, 1-based): chr9:36,258,343, C>T on the plus strand (G>A on the coding strand, the complement: GNE is on the minus strand). VCF-style: chr9-36258343-C-T. GRCh37 (hg19) VCF-style: chr9-36258340-C-T.
Other names: c.-65G>A (NM_001190383.3, NM_001374797.1); c.-36G>A (NM_001190384.3, NM_001374798.1); c.-13-11861G>A (NM_001190388.2); c.52-8946G>A (NM_001128227.3).
Identifiers: ClinVar variation 366846 (VCV000366846.6), dbSNP rs138897916, ClinGen allele CA10630095.

ClinVar aggregate classification (germline): Benign (1 of 4 stars; one submission).

Conditions:
Sialuria. Also called: SIALURIA, FRENCH TYPE; Sialic Acid Storage Disease. Identifiers: Orphanet 3166, MedGen C0342853, MONDO:0010028, OMIM 269921.

Allele frequency attached by ClinVar (database versions not stated): 1000 Genomes Project 30x 0.00172; 1000 Genomes Project 0.00180; gnomAD 0.00461 and 0.00463; TOPMed 0.00492; gnomAD exomes 0.00884.
gnomAD v4.1: 8,023 of 985,524 alleles (0.81%); highest among the groups gnomAD compares: Non-Finnish European, 0.92%; 40 homozygotes.

Submission:

Illumina Laboratory Services, Illumina
Classification: Benign for Sialuria. Last evaluated: 2018-01-13. Review status: criteria provided, single submitter. Criteria: ICSL Variant Classification Criteria 13 December 2019. Collection method: clinical testing. Allele origin: germline.
Comment: This variant was observed in the ICSL laboratory as part of a predisposition screen in an ostensibly healthy population. It had not been previously curated by ICSL or reported in the Human Gene Mutation Database (HGMD: prior to June 1st, 2018), and was therefore a candidate for classification through an automated scoring system. Utilizing variant allele frequency, disease prevalence and penetrance estimates, and inheritance mode, an automated score was calculated to assess if this variant is too frequent to cause the disease. Based on the score and internal cut-off values, a variant classified as benign is not then subjected to further curation. The score for this variant resulted in a classification of benign for this disease.